The following is an entry in ClinVar:

ClinVar aggregate classification (germline): Uncertain significance. Review status: criteria provided, multiple submitters, no conflicts (2 of 4 stars). 2 submissions from 2 submitters: Uncertain significance (2). Last evaluated 2023-03-02.

Conditions:
Brugada syndrome 5 (BRGDA5). Identifiers: Orphanet 130, Orphanet 871, MedGen C2748541, MONDO:0013015, OMIM 612838.

Submissions (2):

Labcorp Genetics (formerly Invitae), Labcorp
Classification: Uncertain significance for Brugada syndrome 5. Last evaluated: 2023-03-02. Review status: criteria provided, single submitter. Criteria: Invitae Variant Classification Sherloc (09022015). Collection method: clinical testing. Allele origin: germline.
Comment: In summary, the available evidence is currently insufficient to determine the role of this variant in disease. Therefore, it has been classified as a Variant of Uncertain Significance. Experimental studies and prediction algorithms are not available or were not evaluated, and the functional significance of this variant is currently unknown. This variant has not been reported in the literature in individuals affected with SCN1B-related conditions. This variant is not present in population databases (gnomAD no frequency). This sequence change replaces alanine, which is neutral and non-polar, with valine, which is neutral and non-polar, at codon 150 of the SCN1B protein (p.Ala150Val). The SCN1B gene has multiple clinically relevant transcripts. This variant occurs in alternate transcript NM_001037.5, and corresponds to NM_199037.3:c.*5019C>T in the primary transcript.

GeneDx
Classification: Uncertain significance. Last evaluated: 2017-05-10. Review status: criteria provided, single submitter. Criteria: GeneDx Variant Classification (06012015). Collection method: clinical testing. Allele origin: germline. Affected: yes.
Comment: The A150V variant in the SCN1B gene has not been reported previously as a pathogenic variant, nor as a benign variant, to our knowledge. The A150V variant is not observed in large population cohorts (Lek et al., 2016; 1000 Genomes Consortium et al., 2015; Exome Variant Server). The A150V variant is a conservative amino acid substitution, which is not likely to impact secondary protein structure as these residues share similar properties. This substitution occurs at a position that is conserved across species. In silico analysis is inconsistent in its predictions as to whether or not the variant is damaging to the protein structure/function. We interpret A150V as a variant of uncertain significance.

NM_001037.5(SCN1B):c.449C>T (p.Ala150Val)

Gene: SCN1B (sodium voltage-gated channel beta subunit 1; plus strand). Cytogenetic location: 19q13.11.
Variant type: single nucleotide variant.
Coding change: c.449C>T on transcript NM_001037.5 (MANE Select); coding-DNA position 449, C replaced by T.
Protein change: p.Ala150Val; replaces alanine 150 with valine.
Molecular consequence: missense variant.
Genome position (GRCh38, 1-based): chr19:35,039,117, C>T. VCF-style: chr19-35039117-C-T. GRCh37 (hg19) VCF-style: chr19-35530021-C-T.
Other names: c.350C>T, p.Ala117Val (NM_001321605.2); short protein forms A150V, A117V.
Identifiers: ClinVar variation 429499 (VCV000429499.5), dbSNP rs1131691415, ClinGen allele CA405329894.